The following is an entry in ClinVar:

ClinVar aggregate classification (germline): Pathogenic. Review status: criteria provided, multiple submitters, no conflicts (2 of 4 stars). 3 submissions from 3 submitters: Pathogenic (2). 1 of the submissions does not count toward it. Last evaluated 2025-06-16.

Conditions:
Inborn genetic diseases. Identifiers: MedGen C0950123, MeSH D030342.
FGD1-related disorder. Also called: FGD1-related condition; FGD1-related disorders.

Submissions (3):

GeneDx
Classification: Pathogenic. Last evaluated: 2025-06-16. Review status: criteria provided, single submitter. Criteria: GeneDx Variant Classification Process June 2021. Collection method: clinical testing. Allele origin: germline. Affected: yes.
Comment: Frameshift variant predicted to result in protein truncation or nonsense mediated decay in a gene for which loss of function is a known mechanism of disease; Not observed at significant frequency in large population cohorts (gnomAD); Has not been previously published as pathogenic or benign to our knowledge

Ambry Genetics
Classification: Pathogenic for Inborn genetic diseases. Last evaluated: 2017-10-09. Review status: criteria provided, single submitter. Criteria: Ambry Variant Classification Scheme 2023. Collection method: clinical testing. Allele origin: germline.
Comment: The c.26dupG pathogenic mutation, located in coding exon 1 of the FGD1 gene, results from a duplication of G at nucleotide position 26, causing a translational frameshift with a predicted alternate stop codon (p.Ala10Argfs*104). This alteration is expected to result in loss of function by premature protein truncation or nonsense-mediated mRNA decay. As such, this alteration is interpreted as a disease-causing mutation.

PreventionGenetics, part of Exact Sciences
Classification: Likely pathogenic for FGD1-related condition. Last evaluated: 2024-08-19. Review status: no assertion criteria provided. Collection method: clinical testing. Allele origin: germline. Not counted in ClinVar's aggregate classification.
Comment: The FGD1 c.26dupG variant is predicted to result in a frameshift and premature protein termination (p.Ala10Argfs*104). To our knowledge, this variant has not been reported in the literature or in a large population database, indicating this variant is rare. This variant has been reported in two related males with clinical features suggestive of Aarskog syndrome (Internal data, PreventionGenetics). Frameshift variants in FGD1 are expected to be pathogenic. This variant is interpreted as likely pathogenic.

NM_004463.3(FGD1):c.26dup (p.Ala10fs)

Gene: FGD1 (FYVE, RhoGEF and PH domain containing 1; minus strand). Cytogenetic location: Xp11.22.
Variant type: Duplication.
Coding change: c.26dup on transcript NM_004463.3 (MANE Select); coding-DNA position 26, one base duplicated (G; older notation c.26dupG).
Protein change: p.Ala10fs; shifts the reading frame from alanine 10.
Molecular consequence: frameshift variant.
Genome position (GRCh38, 1-based): chrX:54,495,407, C duplicated on the plus strand (G on the coding strand, the reverse complement: FGD1 is on the minus strand); the first of 6 consecutive C bases (chrX:54,495,407-54,495,412); duplicating any one gives the same sequence. VCF-style (leftmost placement, unchanged base first): chrX-54495406-G-GC. GRCh37 (hg19) VCF-style: chrX-54521839-G-GC.
Other names: c.26dup (NM_004463.2); c.26dupG (NM_004463.2); short protein forms A10fs.
Identifiers: ClinVar variation 421839 (VCV000421839.7), dbSNP rs1557191602, ClinGen allele CA16621456.